The following is an entry in ClinVar:

ClinVar aggregate classification (germline): Uncertain significance (1 of 4 stars; one submission).

Conditions:
DNA ligase IV deficiency. Identifiers: Orphanet 99812, MedGen C1847827, MONDO:0011686, OMIM 606593.

Allele frequency attached by ClinVar (database versions not stated): gnomAD exomes below 0.00001.
gnomAD v4.1: 1 of 1,614,184 alleles (0.000062%); highest among the groups gnomAD compares: African/African-American, 0.0013%; no homozygotes.

Submission:

Labcorp Genetics (formerly Invitae), Labcorp
Classification: Uncertain significance for DNA ligase IV deficiency. Last evaluated: 2024-10-24. Review status: criteria provided, single submitter. Criteria: Invitae Variant Classification Sherloc (09022015). Collection method: clinical testing. Allele origin: germline.
Comment: This sequence change replaces phenylalanine, which is neutral and non-polar, with cysteine, which is neutral and slightly polar, at codon 730 of the LIG4 protein (p.Phe730Cys). This variant is not present in population databases (gnomAD no frequency). This variant has not been reported in the literature in individuals affected with LIG4-related conditions. ClinVar contains an entry for this variant (Variation ID: 2091879). Invitae Evidence Modeling of protein sequence and biophysical properties (such as structural, functional, and spatial information, amino acid conservation, physicochemical variation, residue mobility, and thermodynamic stability) indicates that this missense variant is not expected to disrupt LIG4 protein function with a negative predictive value of 80%. In summary, the available evidence is currently insufficient to determine the role of this variant in disease. Therefore, it has been classified as a Variant of Uncertain Significance.

NM_206937.2(LIG4):c.2189T>G (p.Phe730Cys)

Gene: LIG4 (DNA ligase 4; minus strand). Cytogenetic location: 13q33.3.
Variant type: single nucleotide variant.
Coding change: c.2189T>G on transcript NM_206937.2 (MANE Select); coding-DNA position 2189, T replaced by G.
Protein change: p.Phe730Cys; replaces phenylalanine 730 with cysteine.
Molecular consequence: missense variant.
Genome position (GRCh38, 1-based): chr13:108,209,080, A>C on the plus strand (T>G on the coding strand, the complement: LIG4 is on the minus strand). VCF-style: chr13-108209080-A-C. GRCh37 (hg19) VCF-style: chr13-108861428-A-C.
Other names: c.2189T>G, p.Phe730Cys (NM_001098268.2, NM_001352598.2, NM_001352599.2 and 6 more transcripts); c.1988T>G, p.Phe663Cys (NM_001330595.2); c.2225T>G, p.Phe742Cys (NM_001352604.2); short protein forms F730C, F742C, F663C.
Identifiers: ClinVar variation 2091879 (VCV002091879.4), dbSNP rs2501583959, ClinGen allele CA388613825.
Genomic context (GRCh38, chr13:108,209,080, plus strand): 5'-GTTGATGGGCACATATGAATCATAAAGCGAGGCTGCCATGGTACAAAGCTTTTGGTCTTA[A>C]AACATTCTAAAAGCCATGCAGGCTTGACAACATCATGTTTATTTGACAAAATTATGTTTT-3'
Protein context (NP_996820.1, residues 720-740): VVKPAWLLEC[Phe730Cys]KTKSFVPWQP